The following is an entry in ClinVar:

NM_006231.4(POLE):c.979G>C (p.Glu327Gln)

Gene: POLE (DNA polymerase epsilon, catalytic subunit; minus strand). Cytogenetic location: 12q24.33.
Variant type: single nucleotide variant.
Coding change: c.979G>C on transcript NM_006231.4 (MANE Select); coding-DNA position 979, G replaced by C.
Protein change: p.Glu327Gln; replaces glutamic acid 327 with glutamine.
Molecular consequence: missense variant.
Genome position (GRCh38, 1-based): chr12:132,676,135, C>G on the plus strand (G>C on the coding strand, the complement: POLE is on the minus strand). VCF-style: chr12-132676135-C-G. GRCh37 (hg19) VCF-style: chr12-133252721-C-G.
Other names: short protein forms E327Q.
Identifiers: ClinVar variation 958695 (VCV000958695.9), dbSNP rs772154998, ClinGen allele CA6894129.

ClinVar aggregate classification (germline): Uncertain significance (1 of 4 stars; one submission).

Allele frequency attached by ClinVar (database versions not stated): ExAC 0.00002.

Submission:

Labcorp Genetics (formerly Invitae), Labcorp
Classification: Uncertain significance. Last evaluated: 2019-07-18. Review status: criteria provided, single submitter. Criteria: Invitae Variant Classification Sherloc (09022015). Collection method: clinical testing. Allele origin: germline.
Comment: In summary, the available evidence is currently insufficient to determine the role of this variant in disease. Therefore, it has been classified as a Variant of Uncertain Significance. Algorithms developed to predict the effect of missense changes on protein structure and function (SIFT, PolyPhen-2, Align-GVGD) all suggest that this variant is likely to be disruptive, but these predictions have not been confirmed by published functional studies and their clinical significance is uncertain. This variant has not been reported in the literature in individuals with POLE-related conditions. This variant is present in population databases (rs772154998, ExAC 0.01%). This sequence change replaces glutamic acid with glutamine at codon 327 of the POLE protein (p.Glu327Gln). The glutamic acid residue is highly conserved and there is a small physicochemical difference between glutamic acid and glutamine.